The following is an entry in ClinVar:

NM_001042492.3(NF1):c.367A>G (p.Thr123Ala)

Gene: NF1 (neurofibromin 1; plus strand). Cytogenetic location: 17q11.2.
Variant type: single nucleotide variant.
Coding change: c.367A>G on transcript NM_001042492.3 (MANE Select); coding-DNA position 367, A replaced by G.
Protein change: p.Thr123Ala; replaces threonine 123 with alanine.
Molecular consequence: missense variant.
Genome position (GRCh38, 1-based): chr17:31,163,264, A>G. VCF-style: chr17-31163264-A-G. GRCh37 (hg19) VCF-style: chr17-29490282-A-G.
Other names: c.367A>G, p.Thr123Ala (NM_000267.4, NM_001128147.3); short protein forms T123A.
Identifiers: ClinVar variation 141454 (VCV000141454.21), dbSNP rs587781757, ClinGen allele CA165455.
Genomic context (GRCh38, chr17:31,163,264, plus strand): 5'-AGATTAGATGAAACGATGCTGGTCAAACAGTTGCTGCCAGAAATCTGCCATTTTCTTCAC[A>G]CCTGTCGTGAAGGAAACCAGCATGCAGCTGAACTTCGGAATTCTGCCTCTGGGGTTTTAT-3'
Protein context (NP_001035957.1, residues 113-133): LLPEICHFLH[Thr123Ala]CREGNQHAAE

ClinVar aggregate classification (germline): Conflicting classifications of pathogenicity. Review status: criteria provided, conflicting classifications (1 of 4 stars). 8 submissions from 7 submitters: Uncertain significance (7); Benign (1). Last evaluated 2026-01-25.

Conditions:
Hereditary cancer-predisposing syndrome. Also called: Neoplastic Syndromes, Hereditary; Hereditary Cancer Syndrome; Hereditary neoplastic syndrome; Tumor predisposition. Identifiers: Orphanet 140162, MedGen C0027672, MeSH D009386, MONDO:0015356.
Cardiovascular phenotype. Identifiers: MedGen CN230736.
Café-au-lait macules with pulmonary stenosis (WTSN). Also called: PULMONIC STENOSIS WITH CAFE-AU-LAIT SPOTS. Identifiers: MedGen C0553586, MONDO:0008672, OMIM 193520.
Neurofibromatosis, familial spinal (FSNF). Identifiers: Orphanet 636, MedGen C1834235, MONDO:0008078, OMIM 162210. Disease mechanism: loss of function.
Neurofibromatosis, type 1 (NF1). Also called: VON RECKLINGHAUSEN DISEASE; Neurofibromatosis, type I; NEUROFIBROMATOSIS, TYPE I, SOMATIC; Peripheral type neurofibromatosis. Identifiers: Orphanet 636, MedGen C0027831, MONDO:0018975, OMIM 162200. Disease mechanism: loss of function.
Juvenile myelomonocytic leukemia (JMML). Also called: LEUKEMIA, JUVENILE MYELOMONOCYTIC, SOMATIC. Identifiers: Orphanet 86834, MedGen C0349639, MONDO:0011908, OMIM 607785, HP:0012209.
Neurofibromatosis-Noonan syndrome (NFNS). Also called: NEUROFIBROMATOSIS WITH NOONAN PHENOTYPE. Identifiers: Orphanet 638, MedGen C2931482, MONDO:0011035, OMIM 601321. Disease mechanism: loss of function.

Allele frequency attached by ClinVar (database versions not stated): gnomAD exomes below 0.00001 and 0.00001; TOPMed below 0.00001; ExAC 0.00001; gnomAD 0.00002.
gnomAD v4.1: 14 of 1,614,004 alleles (0.00087%); highest among the groups gnomAD compares: Admixed American, 0.0017%; no homozygotes.

Submissions (8):

Labcorp Genetics (formerly Invitae), Labcorp
Classification: Benign for Neurofibromatosis, type 1. Last evaluated: 2026-01-25. Review status: criteria provided, single submitter. Criteria: Invitae Variant Classification Sherloc (09022015). Collection method: clinical testing. Allele origin: germline.

Quest Diagnostics Nichols Institute San Juan Capistrano
Classification: Uncertain significance. Last evaluated: 2025-05-15. Review status: criteria provided, single submitter. Criteria: Quest Diagnostics criteria. Collection method: clinical testing. Allele origin: unknown.

Ambry Genetics
Classification: Uncertain significance for Cardiovascular phenotype; Hereditary cancer-predisposing syndrome. Last evaluated: 2025-01-14. Review status: criteria provided, single submitter. Criteria: Ambry Variant Classification Scheme 2023. Collection method: clinical testing. Allele origin: germline.

Fulgent Genetics
Classification: Uncertain significance for Neurofibromatosis, type 1; Neurofibromatosis, familial spinal; Café-au-lait macules with pulmonary stenosis; Neurofibromatosis-Noonan syndrome; Juvenile myelomonocytic leukemia. Last evaluated: 2024-06-14. Review status: criteria provided, single submitter. Criteria: ACMG Guidelines, 2015. Collection method: clinical testing. Allele origin: germline.

GeneDx
Classification: Uncertain significance. Last evaluated: 2022-04-27. Review status: criteria provided, single submitter. Criteria: GeneDx Variant Classification Process June 2021. Collection method: clinical testing. Allele origin: germline. Affected: yes.
Comment: In silico analysis supports that this missense variant does not alter protein structure/function; Not observed in any cases, but was observed in the male controls in a breast cancer study (Momozawa 2018); This variant is associated with the following publications: (PMID: 30287823)

Genome-Nilou Lab
Classification: Uncertain significance for Neurofibromatosis, type 1. Last evaluated: 2022-03-15. Review status: criteria provided, single submitter. Criteria: ACMG Guidelines, 2015. Collection method: clinical testing. Allele origin: germline. Affected: no.

Sema4
Classification: Uncertain significance for Hereditary cancer-predisposing syndrome. Last evaluated: 2022-03-11. Review status: criteria provided, single submitter. Criteria: Sema4 Curation Guidelines. Collection method: curation. Allele origin: germline.
Comment: This variant was observed in 1/35426 chromosomes in the Latino population, according to the Genome Aggregation Database (PMID 32461654). The variant has been reported in ClinVar (Variation ID 141454). Functional studies have not been performed, and in silico predictions of the variant's effect on protein function are inconclusive. The evidence is insufficient to meet ACMG/AMP criteria for classifying the variant as benign or pathogenic. Thus, the clinical significance of this variant is currently uncertain.

Ambry Genetics
Classification: Uncertain significance for Hereditary cancer-predisposing syndrome. Last evaluated: 2014-03-12. Review status: criteria provided, single submitter. Criteria: Ambry Autosomal Dominant and X-Linked criteria (10/2015). Collection method: clinical testing. Allele origin: germline. Observed: 1 variant allele.
Comment: Ã¢â‚¬â€¹The p.T123A variant (also known as c.367A>G), located in coding exon 4 of the NF1 gene, results from an A to G substitution at nucleotide position 367. The threonine at codon 123 is replaced by alanine, an amino acid with similar properties. This variant was not reported in population based cohorts in the following databases: Database of Single Nucleotide Polymorphisms (dbSNP), NHLBI Exome Sequencing Project (ESP), and 1000 Genomes Project. To date, this alteration has been detected with an allele frequency of approximately 0.66% (greater than 150 alleles tested) in our clinical cohort (includes this individual). This amino acid position is well conserved in available vertebrate species. In addition, this alteration is predicted to be benign and tolerated by PolyPhen and SIFT in silico analyses, respectively. Since supporting evidence is limited at this time, the clinical significance of p.T123A remains unclear.

Literature cited by the submitters: PubMed 33471991 (cited by Sema4); PubMed 30287823 (cited by Sema4).